The following is an entry in ClinVar:

ClinVar aggregate classification (germline): Uncertain significance (1 of 4 stars; one submission).

Conditions:
Joubert syndrome 23 (JBTS23). Identifiers: Orphanet 475, MedGen C4084822, MONDO:0014664, OMIM 616490.
Short-rib thoracic dysplasia 14 with polydactyly (SRTD14). Identifiers: Orphanet 397715, MedGen C4225286, MONDO:0014688, OMIM 616546.

gnomAD v4.1: 3 of 1,608,708 alleles (0.00019%); highest among the groups gnomAD compares: Non-Finnish European, 0.00025%; no homozygotes.

Submission:

Labcorp Genetics (formerly Invitae), Labcorp
Classification: Uncertain significance for Joubert syndrome 23; Short-rib thoracic dysplasia 14 with polydactyly. Last evaluated: 2020-11-27. Review status: criteria provided, single submitter. Criteria: Invitae Variant Classification Sherloc (09022015). Collection method: clinical testing. Allele origin: germline.
Comment: This sequence change replaces aspartic acid with glycine at codon 692 of the KIAA0586 protein (p.Asp692Gly). The aspartic acid residue is moderately conserved and there is a moderate physicochemical difference between aspartic acid and glycine. This variant is not present in population databases (ExAC no frequency). This variant has not been reported in the literature in individuals with KIAA0586-related conditions. Algorithms developed to predict the effect of missense changes on protein structure and function output the following: SIFT: "Tolerated"; PolyPhen-2: "Benign"; Align-GVGD: "Class C0". The glycine amino acid residue is found in multiple mammalian species, suggesting that this missense change does not adversely affect protein function. These predictions have not been confirmed by published functional studies and their clinical significance is uncertain. Algorithms developed to predict the effect of sequence changes on RNA splicing suggest that this variant may create or strengthen a splice site, but this prediction has not been confirmed by published transcriptional studies. In summary, the available evidence is currently insufficient to determine the role of this variant in disease. Therefore, it has been classified as a Variant of Uncertain Significance.

NM_001329943.3(KIAA0586):c.1916A>G (p.Asp639Gly)

Gene: KIAA0586 (KIAA0586; plus strand). Cytogenetic location: 14q23.1.
Variant type: single nucleotide variant.
Coding change: c.1916A>G on transcript NM_001329943.3 (MANE Select); coding-DNA position 1916, A replaced by G.
Protein change: p.Asp639Gly; replaces aspartic acid 639 with glycine.
Molecular consequence: missense variant.
Genome position (GRCh38, 1-based): chr14:58,461,017, A>G. VCF-style: chr14-58461017-A-G. GRCh37 (hg19) VCF-style: chr14-58927735-A-G.
Other names: c.2075A>G, p.Asp692Gly (NM_001244189.2); c.1871A>G, p.Asp624Gly (NM_001244190.2); c.1661A>G, p.Asp554Gly (NM_001244191.2, NM_001329945.2, NM_001364700.1 and 1 more transcripts); c.1784A>G, p.Asp595Gly (NM_001244192.2); c.1496A>G, p.Asp499Gly (NM_001244193.2); c.1916A>G, p.Asp639Gly (NM_001329944.2, NM_001329946.2, NM_001329947.2); c.1688A>G, p.Asp563Gly (NM_014749.5); short protein forms D499G, D554G, D595G, D624G, D639G, D692G, D563G.
Identifiers: ClinVar variation 1489533 (VCV001489533.8), dbSNP rs1210187670, ClinGen allele CA389872284.